The following is an entry in ClinVar:

ClinVar aggregate classification (germline): Benign. Review status: criteria provided, single submitter (1 of 4 stars). 4 submissions from 4 submitters: Benign (1). 3 of the submissions do not count toward it. Last evaluated 2025-03-27.

Conditions:
X-linked intellectual disability Cabezas type (MRXSC). Also called: Intellectual developmental disorder, X-linked syndromic, Cabezas type; MENTAL RETARDATION, X-LINKED, SYNDROMIC 15; CABEZAS SYNDROME. Identifiers: Orphanet 85289, Orphanet 85293, MedGen C1845861, MONDO:0010306, OMIM 300354.
CUL4B-related disorder. Also called: CUL4B-related condition.

Allele frequency attached by ClinVar (database versions not stated): gnomAD 0.00029 and 0.00031; gnomAD exomes 0.00012 and 0.00004; 1000 Genomes Project 0.00079; 1000 Genomes Project 30x 0.00083; ESP Exome Variant Server 0.00028; TOPMed 0.00032; ExAC 0.00016.
gnomAD v4.1: 76 of 1,187,355 alleles (0.0064%); highest among the groups gnomAD compares: African/African-American, 0.11%; no homozygotes.

Submissions (4):

Labcorp Genetics (formerly Invitae), Labcorp
Classification: Benign for X-linked intellectual disability Cabezas type. Last evaluated: 2025-03-27. Review status: criteria provided, single submitter. Criteria: Invitae Variant Classification Sherloc (09022015). Collection method: clinical testing. Allele origin: germline.

PreventionGenetics, part of Exact Sciences
Classification: Likely benign for CUL4B-related condition. Last evaluated: 2022-09-07. Review status: no assertion criteria provided. Collection method: clinical testing. Allele origin: germline. Not counted in ClinVar's aggregate classification.
Comment: This variant is classified as likely benign based on ACMG/AMP sequence variant interpretation guidelines (Richards et al. 2015 PMID: 25741868, with internal and published modifications).

Clinical Genetics DNA and cytogenetics Diagnostics Lab, Erasmus MC, Erasmus Medical Center
Classification: Likely benign. Review status: no assertion criteria provided. Collection method: clinical testing. Allele origin: germline. Affected: yes. Study: VKGL Data-share Consensus. Not counted in ClinVar's aggregate classification.

Genome Diagnostics Laboratory, University Medical Center Utrecht
Classification: Likely benign. Review status: no assertion criteria provided. Collection method: clinical testing. Allele origin: germline. Affected: yes. Study: VKGL Data-share Consensus. Not counted in ClinVar's aggregate classification.

NM_001079872.2(CUL4B):c.792C>T (p.Ser264=)

Gene: CUL4B (cullin 4B; minus strand). Cytogenetic location: Xq24.
Variant type: single nucleotide variant.
Coding change: c.792C>T on transcript NM_001079872.2 (MANE Select); coding-DNA position 792, C replaced by T.
Protein change: p.Ser264=; no amino-acid change (serine 264 retained).
Molecular consequence: synonymous variant.
Genome position (GRCh38, 1-based): chrX:120,546,601, G>A on the plus strand (C>T on the coding strand, the complement: CUL4B is on the minus strand). VCF-style: chrX-120546601-G-A. GRCh37 (hg19) VCF-style: chrX-119680456-G-A.
Other names: c.846C>T (NM_003588.3); c.807C>T, p.Ser269= (NM_001330624.2); c.258C>T, p.Ser86= (NM_001369145.1); c.846C>T, p.Ser282= (NM_003588.4).
Identifiers: ClinVar variation 1285197 (VCV001285197.5), dbSNP rs201566181, ClinGen allele CA10505634.